The following is an entry in ClinVar:

NM_001378969.1(KCND3):c.291C>A (p.Phe97Leu)

Gene: KCND3 (potassium voltage-gated channel subfamily D member 3; minus strand). Cytogenetic location: 1p13.2.
Variant type: single nucleotide variant.
Coding change: c.291C>A on transcript NM_001378969.1 (MANE Select); coding-DNA position 291, C replaced by A.
Protein change: p.Phe97Leu; replaces phenylalanine 97 with leucine.
Molecular consequence: missense variant.
Genome position (GRCh38, 1-based): chr1:111,982,436, G>T on the plus strand (C>A on the coding strand, the complement: KCND3 is on the minus strand). VCF-style: chr1-111982436-G-T. GRCh37 (hg19) VCF-style: chr1-112525058-G-T.
Other names: c.291C>A, p.Phe97Leu (NM_001378970.1, NM_004980.5, NM_172198.3); short protein forms F97L.
Identifiers: ClinVar variation 4527359 (VCV004527359.1).

ClinVar aggregate classification (germline): Uncertain significance (1 of 4 stars; one submission).

Submission:

GeneDx
Classification: Uncertain significance. Last evaluated: 2025-04-25. Review status: criteria provided, single submitter. Criteria: GeneDx Variant Classification Process June 2021. Collection method: clinical testing. Allele origin: germline. Affected: yes.
Comment: Not observed at significant frequency in large population cohorts (gnomAD); In silico analysis supports that this missense variant has a deleterious effect on protein structure/function; Has not been previously published as pathogenic or benign to our knowledge